The following is an entry in ClinVar:

NM_003545.4(H4C5):c.107G>A (p.Arg36Gln)

Genes: H4C5 (H4 clustered histone 5; plus strand), LOC129996027 (ATAC-STARR-seq lymphoblastoid active region 24208; plus strand). Cytogenetic location: 6p22.2.
Variant type: single nucleotide variant.
Coding change: c.107G>A on transcript NM_003545.4 (MANE Select); coding-DNA position 107, G replaced by A.
Protein change: p.Arg36Gln; replaces arginine 36 with glutamine.
Molecular consequence: missense variant.
Genome position (GRCh38, 1-based): chr6:26,204,751, G>A. VCF-style: chr6-26204751-G-A. GRCh37 (hg19) VCF-style: chr6-26204979-G-A.
Other names: short protein forms R36Q.
Identifiers: ClinVar variation 4033511 (VCV004033511.2).

ClinVar aggregate classification (germline): Uncertain significance (1 of 4 stars; one submission).

Submission:

Ambry Genetics
Classification: Uncertain significance. Last evaluated: 2025-08-08. Review status: criteria provided, single submitter. Criteria: Ambry Variant Classification Scheme 2023. Collection method: clinical testing. Allele origin: germline.
Comment: The c.107G>A (p.R36Q) alteration is located in exon 1 (coding exon 1) of the HIST1H4E gene. This alteration results from a G to A substitution at nucleotide position 107, causing the arginine (R) at amino acid position 36 to be replaced by a glutamine (Q). This variant was not reported in population-based cohorts in the Genome Aggregation Database (gnomAD). This amino acid position is highly conserved in available vertebrate species. The in silico prediction for this alteration is inconclusive. Based on insufficient or conflicting evidence, the clinical significance of this alteration remains unclear.